The following is an entry in ClinVar:

ClinVar aggregate classification (germline): Benign (0 of 4 stars; one submission).

Conditions:
TNK1-related disorder. Also called: TNK1-related condition.

Allele frequency attached by ClinVar (database versions not stated): ESP Exome Variant Server 0.00042; gnomAD 0.00061; ExAC 0.00114; 1000 Genomes Project 30x 0.00219; 1000 Genomes Project 0.00220.
gnomAD v4.1: 871 of 1,596,734 alleles (0.055%); highest among the groups gnomAD compares: East Asian, 0.91%; 5 homozygotes.

Submission:

PreventionGenetics, part of Exact Sciences
Classification: Benign for TNK1-related condition. Last evaluated: 2019-12-05. Review status: no assertion criteria provided. Collection method: clinical testing. Allele origin: germline.
Comment: This variant is classified as benign based on ACMG/AMP sequence variant interpretation guidelines (Richards et al. 2015 PMID: 25741868, with internal and published modifications).

NM_003985.6(TNK1):c.1367G>A (p.Arg456Gln)

Gene: TNK1 (tyrosine kinase non receptor 1; plus strand). Cytogenetic location: 17p13.1.
Variant type: single nucleotide variant.
Coding change: c.1367G>A on transcript NM_003985.6 (MANE Select); coding-DNA position 1367, G replaced by A.
Protein change: p.Arg456Gln; replaces arginine 456 with glutamine.
Molecular consequence: missense variant.
Genome position (GRCh38, 1-based): chr17:7,387,124, G>A. VCF-style: chr17-7387124-G-A. GRCh37 (hg19) VCF-style: chr17-7290443-G-A.
Other names: c.1382G>A, p.Arg461Gln (NM_001251902.3); short protein forms R456Q, R461Q.
Identifiers: ClinVar variation 3042123 (VCV003042123.2), dbSNP rs117725656, ClinGen allele CA8345172.